The following is an entry in ClinVar:

ClinVar aggregate classification (germline): Conflicting classifications of pathogenicity. Review status: criteria provided, conflicting classifications (1 of 4 stars). 7 submissions from 7 submitters: Pathogenic (2); Likely pathogenic (3); Uncertain significance (1). 1 of the submissions does not count toward it. Last evaluated 2025-08-10.

Conditions:
Inborn genetic diseases. Identifiers: MedGen C0950123, MeSH D030342.
Hereditary insensitivity to pain with anhidrosis (CIPA). Also called: FAMILIAL DYSAUTONOMIA, TYPE II; INSENSITIVITY TO PAIN, CONGENITAL, WITH ANHIDROSIS; HSAN Type IV; hereditary sensory and autonomic neuropathy type 4; NEUROPATHY, CONGENITAL SENSORY, WITH ANHIDROSIS; NTRK1 Congenital Insensitivity to Pain with Anhidrosis. Identifiers: Orphanet 642, MedGen C0020074, MONDO:0009746, OMIM 256800.

Allele frequency attached by ClinVar (database versions not stated): gnomAD 0.00001; TOPMed 0.00003; ExAC 0.00004.
gnomAD v4.1: 14 of 1,602,894 alleles (0.00087%); highest among the groups gnomAD compares: Non-Finnish European, 0.0011%; no homozygotes.

Submissions (7):

Natera, Inc.
Classification: Likely pathogenic for Hereditary insensitivity to pain with anhidrosis. Last evaluated: 2025-08-10. Review status: criteria provided, single submitter. Criteria: Natera Variant Classification Schema (03/2026). Collection method: clinical testing. Allele origin: germline.
Comment: The c.2263C>T variant in NTRK1 is a missense variant predicted to cause substitution of arginine to tryptophan at amino acid 755. This variant is rare in the general population with a frequency below the threshold expected for the associated phenotype(s). This variant has been observed in one or more individuals affected with the associated recessive disease, as either homozygous or compound heterozygous with a second variant (PMID: 16373086). Computational prediction algorithms indicate this variant is likely to affect gene or protein function. Given the available evidence, this variant is classified as Likely Pathogenic.

Labcorp Genetics (formerly Invitae), Labcorp
Classification: Pathogenic for Hereditary insensitivity to pain with anhidrosis. Last evaluated: 2024-07-12. Review status: criteria provided, single submitter. Criteria: Invitae Variant Classification Sherloc (09022015). Collection method: clinical testing. Allele origin: germline.
Comment: This sequence change replaces arginine, which is basic and polar, with tryptophan, which is neutral and slightly polar, at codon 755 of the NTRK1 protein (p.Arg755Trp). The frequency data for this variant in the population databases is considered unreliable, as metrics indicate poor data quality at this position in the gnomAD database. This missense change has been observed in individuals with congenital insensitivity to pain with anhidrosis/ hereditary sensory and autonomic neuropathy (PMID: 11668614, 16373086, 19651702, 28192073). This variant is also known as p.Arg761Trp. ClinVar contains an entry for this variant (Variation ID: 557905). Advanced modeling of protein sequence and biophysical properties (such as structural, functional, and spatial information, amino acid conservation, physicochemical variation, residue mobility, and thermodynamic stability) has been performed at Invitae for this missense variant, however the output from this modeling did not meet the statistical confidence thresholds required to predict the impact of this variant on NTRK1 protein function. For these reasons, this variant has been classified as Pathogenic.

Fulgent Genetics
Classification: Likely pathogenic for Hereditary insensitivity to pain with anhidrosis. Last evaluated: 2024-01-18. Review status: criteria provided, single submitter. Criteria: ACMG Guidelines, 2015. Collection method: clinical testing. Allele origin: germline.

Women's Health and Genetics/Laboratory Corporation of America, LabCorp
Classification: Pathogenic for Hereditary insensitivity to pain with anhidrosis. Last evaluated: 2022-10-05. Review status: criteria provided, single submitter. Criteria: LabCorp Variant Classification Summary - May 2015. Collection method: clinical testing. Allele origin: germline.
Comment: Variant summary: NTRK1 c.2263C>T (p.Arg755Trp) results in a non-conservative amino acid change located in the Protein kinase domain (IPR000719) of the encoded protein sequence. Five of five in-silico tools predict a damaging effect of the variant on protein function. The variant allele was found at a frequency of 1.8e-05 in 227242 control chromosomes. c.2263C>T has been reported in the literature as biallelic compound heterozygous or homozygous genotypes in multiple individuals affected with Hereditary Insensitivity To Pain With Anhidrosis (example, Indo_2001, Veerpoorten_2006, Rotthier_2009, Lv_2017). These data indicate that the variant is very likely to be associated with disease. To our knowledge, no experimental evidence demonstrating an impact on protein function has been reported. Three clinical diagnostic laboratories have submitted clinical-significance assessments for this variant to ClinVar after 2014 without evidence for independent evaluation. All laboratories classified the variant as pathogenic/likely pathogenic. Based on the evidence outlined above, the variant was classified as pathogenic.

Ambry Genetics
Classification: Uncertain significance for Inborn genetic diseases. Last evaluated: 2021-04-02. Review status: criteria provided, single submitter. Criteria: Ambry Variant Classification Scheme 2023. Collection method: clinical testing. Allele origin: germline.
Comment: The p.R755W variant (also known as c.2263C>T), located in coding exon 16 of the NTRK1 gene, results from a C to T substitution at nucleotide position 2263. The arginine at codon 755 is replaced by tryptophan, an amino acid with dissimilar properties. This variant has been detected as homozygous or compound heterozygous with other variants in NTRK1 in multiple individuals with congenital insensitivity to pain with anhidrosis (CIPA) (Indo Y et al. Hum Mutat, 2001 Oct;18:308-18; Rotthier A et al. Brain, 2009 Oct;132:2699-711; Lv F et al. Clin Chim Acta, 2017 May;468:39-45). This amino acid position is not well conserved in available vertebrate species. In addition, the in silico prediction for this alteration is inconclusive. Since supporting evidence is limited at this time, the clinical significance of this alteration remains unclear.

Revvity Omics, Revvity
Classification: Likely pathogenic for Hereditary insensitivity to pain with anhidrosis. Last evaluated: 2019-01-25. Review status: criteria provided, single submitter. Criteria: ACMG Guidelines, 2015. Collection method: clinical testing. Allele origin: germline.

Counsyl
Classification: Likely pathogenic for Hereditary insensitivity to pain with anhidrosis. Last evaluated: 2018-04-17. Review status: no assertion criteria provided. Collection method: clinical testing. Allele origin: unknown. Not counted in ClinVar's aggregate classification.

Literature cited by the submitters: PubMed 16373086 (cited by 4 submitters); PubMed 11668614 (cited by 4 submitters); PubMed 19651702 (cited by 3 submitters); PubMed 28192073 (cited by 4 submitters).

NM_002529.4(NTRK1):c.2281C>T (p.Arg761Trp)

Gene: NTRK1 (neurotrophic receptor tyrosine kinase 1; plus strand). Cytogenetic location: 1q23.1.
Variant type: single nucleotide variant.
Coding change: c.2281C>T on transcript NM_002529.4 (MANE Select); coding-DNA position 2281, C replaced by T.
Protein change: p.Arg761Trp; replaces arginine 761 with tryptophan.
Molecular consequence: missense variant.
Genome position (GRCh38, 1-based): chr1:156,881,532, C>T. VCF-style: chr1-156881532-C-T. GRCh37 (hg19) VCF-style: chr1-156851324-C-T.
Other names: c.2173C>T, p.Arg725Trp (NM_001007792.1); c.2263C>T, p.Arg755Trp (NM_001012331.2); short protein forms R725W, R755W, R761W.
Identifiers: ClinVar variation 557905 (VCV000557905.18), dbSNP rs759637817, ClinGen allele CA1169622.